The following is an entry in ClinVar:

NM_014727.3(KMT2B):c.386A>G (p.Asp129Gly)

Gene: KMT2B (lysine methyltransferase 2B; plus strand). Cytogenetic location: 19q13.12.
Variant type: single nucleotide variant.
Coding change: c.386A>G on transcript NM_014727.3 (MANE Select); coding-DNA position 386, A replaced by G.
Protein change: p.Asp129Gly; replaces aspartic acid 129 with glycine.
Molecular consequence: missense variant.
Genome position (GRCh38, 1-based): chr19:35,719,491, A>G. VCF-style: chr19-35719491-A-G. GRCh37 (hg19) VCF-style: chr19-36210393-A-G.
Other names: short protein forms D129G.
Identifiers: ClinVar variation 4807378 (VCV004807378.1).

ClinVar aggregate classification (germline): Uncertain significance (1 of 4 stars; one submission).

Submission:

Labcorp Genetics (formerly Invitae), Labcorp
Classification: Uncertain significance. Last evaluated: 2025-10-24. Review status: criteria provided, single submitter. Criteria: Invitae Variant Classification Sherloc (09022015). Collection method: clinical testing. Allele origin: germline.
Comment: This sequence change replaces aspartic acid, which is acidic and polar, with glycine, which is neutral and non-polar, at codon 129 of the KMT2B protein (p.Asp129Gly). This variant is not present in population databases (gnomAD no frequency). This variant has not been reported in the literature in individuals affected with KMT2B-related conditions. Invitae Evidence Modeling of protein sequence and biophysical properties (such as structural, functional, and spatial information, amino acid conservation, physicochemical variation, residue mobility, and thermodynamic stability) has been performed for this missense variant. However, the output from this modeling did not meet the statistical confidence thresholds required to predict the impact of this variant on KMT2B protein function. In summary, the available evidence is currently insufficient to determine the role of this variant in disease. Therefore, it has been classified as a Variant of Uncertain Significance.